The following is an entry in ClinVar:

NM_004371.4(COPA):c.3615A>G (p.Thr1205=)

Gene: COPA (coat protein complex I subunit alpha; minus strand). Cytogenetic location: 1q23.2.
Variant type: single nucleotide variant.
Coding change: c.3615A>G on transcript NM_004371.4 (MANE Select); coding-DNA position 3615, A replaced by G.
Protein change: p.Thr1205=; no amino-acid change (threonine 1205 retained).
Molecular consequence: synonymous variant.
Genome position (GRCh38, 1-based): chr1:160,290,492, T>C on the plus strand (A>G on the coding strand, the complement: COPA is on the minus strand). VCF-style: chr1-160290492-T-C. GRCh37 (hg19) VCF-style: chr1-160260282-T-C.
Other names: c.3642A>G, p.Thr1214= (NM_001098398.2).
Identifiers: ClinVar variation 3018248 (VCV003018248.3), dbSNP rs765176560, ClinGen allele CA1197587.

ClinVar aggregate classification (germline): Uncertain significance (1 of 4 stars; one submission).

Conditions:
Autoimmune interstitial lung disease-arthritis syndrome. Also called: Autoinflammation and autoimmunity, systemic, with immune dysregulation. Identifiers: Orphanet 444092, MedGen C5975714, MONDO:0014629.

Allele frequency attached by ClinVar (database versions not stated): gnomAD exomes below 0.00001; TOPMed below 0.00001; gnomAD 0.00001; ExAC 0.00002.
gnomAD v4.1: 8 of 1,614,018 alleles (0.0005%); highest among the groups gnomAD compares: Middle Eastern, 0.082%; no homozygotes.

Submission:

Labcorp Genetics (formerly Invitae), Labcorp
Classification: Uncertain significance for Autoimmune interstitial lung disease-arthritis syndrome. Last evaluated: 2023-07-27. Review status: criteria provided, single submitter. Criteria: Invitae Variant Classification Sherloc (09022015). Collection method: clinical testing. Allele origin: germline.
Comment: This sequence change affects codon 1205 of the COPA mRNA. It is a 'silent' change, meaning that it does not change the encoded amino acid sequence of the COPA protein. It affects a nucleotide within the consensus splice site. Algorithms developed to predict the effect of sequence changes on RNA splicing suggest that this variant is not likely to affect RNA splicing. This variant has not been reported in the literature in individuals affected with COPA-related conditions. This variant is present in population databases (rs765176560, gnomAD 0.01%). In summary, the available evidence is currently insufficient to determine the role of this variant in disease. Therefore, it has been classified as a Variant of Uncertain Significance.